The following is an entry in ClinVar:

NM_006721.4(ADK):c.155C>T (p.Pro52Leu)

Gene: ADK (adenosine kinase; plus strand). Cytogenetic location: 10q22.2.
Variant type: single nucleotide variant.
Coding change: c.155C>T on transcript NM_006721.4 (MANE Select); coding-DNA position 155, C replaced by T.
Protein change: p.Pro52Leu; replaces proline 52 with leucine.
Molecular consequence: missense variant. On other transcripts: intron variant (1).
Genome position (GRCh38, 1-based): chr10:74,224,552, C>T. VCF-style: chr10-74224552-C-T. GRCh37 (hg19) VCF-style: chr10-75984310-C-T.
Other names: c.104C>T, p.Pro35Leu (NM_001123.4, NM_001369124.1); c.155C>T, p.Pro52Leu (NM_001202450.2, NM_001369123.1); c.89+23714C>T (NM_001202449.2); short protein forms P52L, P35L.
Identifiers: ClinVar variation 1408446 (VCV001408446.6), dbSNP rs1844455477, ClinGen allele CA377396835.

ClinVar aggregate classification (germline): Uncertain significance (1 of 4 stars; one submission).

gnomAD v4.1: 10 of 1,613,484 alleles (0.00062%); highest among the groups gnomAD compares: Non-Finnish European, 0.00085%; no homozygotes.

Submission:

Labcorp Genetics (formerly Invitae), Labcorp
Classification: Uncertain significance. Last evaluated: 2025-10-21. Review status: criteria provided, single submitter. Criteria: Invitae Variant Classification Sherloc (09022015). Collection method: clinical testing. Allele origin: germline.
Comment: This sequence change replaces proline, which is neutral and non-polar, with leucine, which is neutral and non-polar, at codon 35 of the ADK protein (p.Pro35Leu). This variant is not present in population databases (gnomAD no frequency). This variant has not been reported in the literature in individuals affected with ADK-related conditions. ClinVar contains an entry for this variant (Variation ID: 1408446). An algorithm developed to predict the effect of missense changes on protein structure and function outputs the following: PolyPhen-2: "Benign". The leucine amino acid residue is found in multiple mammalian species, which suggests that this missense change does not adversely affect protein function. In summary, the available evidence is currently insufficient to determine the role of this variant in disease. Therefore, it has been classified as a Variant of Uncertain Significance.